The following is an entry in ClinVar:

ClinVar aggregate classification (germline): Uncertain significance. Review status: criteria provided, multiple submitters, no conflicts (2 of 4 stars). 2 submissions from 2 submitters: Uncertain significance (2). Last evaluated 2024-10-22.

Submissions (2):

Labcorp Genetics (formerly Invitae), Labcorp
Classification: Uncertain significance. Last evaluated: 2024-10-22. Review status: criteria provided, single submitter. Criteria: Invitae Variant Classification Sherloc (09022015). Collection method: clinical testing. Allele origin: germline.
Comment: This sequence change replaces asparagine, which is neutral and polar, with lysine, which is basic and polar, at codon 1626 of the KMT2A protein (p.Asn1626Lys). This variant is not present in population databases (gnomAD no frequency). This variant has not been reported in the literature in individuals affected with KMT2A-related conditions. ClinVar contains an entry for this variant (Variation ID: 2642425). Invitae Evidence Modeling of protein sequence and biophysical properties (such as structural, functional, and spatial information, amino acid conservation, physicochemical variation, residue mobility, and thermodynamic stability) indicates that this missense variant is not expected to disrupt KMT2A protein function with a negative predictive value of 95%. In summary, the available evidence is currently insufficient to determine the role of this variant in disease. Therefore, it has been classified as a Variant of Uncertain Significance.

CeGaT Center for Human Genetics Tuebingen
Classification: Uncertain significance. Last evaluated: 2023-05-01. Review status: criteria provided, single submitter. Criteria: CeGaT Center For Human Genetics Tuebingen Variant Classification Criteria Version 2. Collection method: clinical testing. Allele origin: germline. Affected: yes. Observed: 1 variant allele.
Comment: KMT2A: PM2

NM_001197104.2(KMT2A):c.4878C>G (p.Asn1626Lys)

Gene: KMT2A (lysine methyltransferase 2A; plus strand). Cytogenetic location: 11q23.3.
Variant type: single nucleotide variant.
Coding change: c.4878C>G on transcript NM_001197104.2 (MANE Select); coding-DNA position 4878, C replaced by G.
Protein change: p.Asn1626Lys; replaces asparagine 1626 with lysine.
Molecular consequence: missense variant.
Genome position (GRCh38, 1-based): chr11:118,491,802, C>G. VCF-style: chr11-118491802-C-G. GRCh37 (hg19) VCF-style: chr11-118362517-C-G.
Other names: c.4968C>G, p.Asn1656Lys (NM_001412597.1); c.4869C>G, p.Asn1623Lys (NM_005933.4); short protein forms N1623K, N1626K, N1656K.
Identifiers: ClinVar variation 2642425 (VCV002642425.27), dbSNP rs2134340916, ClinGen allele CA382834719.